The following is an entry in ClinVar:

ClinVar aggregate classification (germline): Uncertain significance (1 of 4 stars; one submission).

Allele frequency attached by ClinVar (database versions not stated): ExAC 0.00001.

Submission:

Labcorp Genetics (formerly Invitae), Labcorp
Classification: Uncertain significance. Last evaluated: 2022-04-17. Review status: criteria provided, single submitter. Criteria: Invitae Variant Classification Sherloc (09022015). Collection method: clinical testing. Allele origin: germline.
Comment: This sequence change replaces phenylalanine, which is neutral and non-polar, with valine, which is neutral and non-polar, at codon 101 of the SNX10 protein (p.Phe101Val). In summary, the available evidence is currently insufficient to determine the role of this variant in disease. Therefore, it has been classified as a Variant of Uncertain Significance. Algorithms developed to predict the effect of missense changes on protein structure and function are either unavailable or do not agree on the potential impact of this missense change (SIFT: "Deleterious"; PolyPhen-2: "Probably Damaging"; Align-GVGD: "Class C0"). This variant has not been reported in the literature in individuals affected with SNX10-related conditions. This variant is present in population databases (rs761267641, gnomAD 0.006%).

NM_013322.3(SNX10):c.301T>G (p.Phe101Val)

Gene: SNX10 (sorting nexin 10; plus strand). Cytogenetic location: 7p15.2.
Variant type: single nucleotide variant.
Coding change: c.301T>G on transcript NM_013322.3 (MANE Select); coding-DNA position 301, T replaced by G.
Protein change: p.Phe101Val; replaces phenylalanine 101 with valine.
Molecular consequence: missense variant.
Genome position (GRCh38, 1-based): chr7:26,365,135, T>G. VCF-style: chr7-26365135-T-G. GRCh37 (hg19) VCF-style: chr7-26404755-T-G.
Other names: c.379T>G, p.Phe127Val (NM_001362754.1, NM_001318198.1, NM_001362753.1); c.301T>G, p.Phe101Val (NM_001199835.1, NM_001318199.3); c.292T>G, p.Phe98Val (NM_001199837.3); c.49T>G, p.Phe17Val (NM_001199838.2); short protein forms F101V, F127V, F17V, F98V.
Identifiers: ClinVar variation 2127218 (VCV002127218.4), dbSNP rs761267641, ClinGen allele CA4195224.